The following is an entry in ClinVar:

ClinVar aggregate classification (germline): Uncertain significance (1 of 4 stars; one submission).

Conditions:
Long QT syndrome (LQTS). Identifiers: MedGen C0023976, MeSH D008133, MONDO:0002442. Disease mechanism: loss of function. Inheritance: Various modes of inheritance.

gnomAD v4.1: 1 of 1,372,276 alleles (0.000073%); highest among the groups gnomAD compares: South Asian, 0.0016%; no homozygotes.

Submission:

Labcorp Genetics (formerly Invitae), Labcorp
Classification: Uncertain significance for Long QT syndrome. Last evaluated: 2023-07-17. Review status: criteria provided, single submitter. Criteria: Invitae Variant Classification Sherloc (09022015). Collection method: clinical testing. Allele origin: germline.
Comment: In summary, the available evidence is currently insufficient to determine the role of this variant in disease. Therefore, it has been classified as a Variant of Uncertain Significance. Algorithms developed to predict the effect of missense changes on protein structure and function output the following: SIFT: "Not Available"; PolyPhen-2: "Benign"; Align-GVGD: "Not Available". The serine amino acid residue is found in multiple mammalian species, which suggests that this missense change does not adversely affect protein function. This variant has not been reported in the literature in individuals affected with SNTA1-related conditions. This variant is not present in population databases (gnomAD no frequency). This sequence change replaces proline, which is neutral and non-polar, with serine, which is neutral and polar, at codon 53 of the SNTA1 protein (p.Pro53Ser).

NM_003098.3(SNTA1):c.157C>T (p.Pro53Ser)

Gene: SNTA1 (syntrophin alpha 1; minus strand). Cytogenetic location: 20q11.21.
Variant type: single nucleotide variant.
Coding change: c.157C>T on transcript NM_003098.3 (MANE Select); coding-DNA position 157, C replaced by T.
Protein change: p.Pro53Ser; replaces proline 53 with serine.
Molecular consequence: missense variant.
Genome position (GRCh38, 1-based): chr20:33,443,464, G>A on the plus strand (C>T on the coding strand, the complement: SNTA1 is on the minus strand). VCF-style: chr20-33443464-G-A. GRCh37 (hg19) VCF-style: chr20-32031270-G-A.
Other names: c.157C>T, p.Pro53Ser (NM_001424413.1, NM_001424414.1); short protein forms P53S.
Identifiers: ClinVar variation 2738962 (VCV002738962.3), dbSNP rs1033217999, ClinGen allele CA313279071.